The following is an entry in ClinVar:

ClinVar aggregate classification (germline): Uncertain significance. Review status: criteria provided, multiple submitters, no conflicts (2 of 4 stars). 2 submissions from 2 submitters: Uncertain significance (2). Last evaluated 2023-10-26.

Allele frequency attached by ClinVar (database versions not stated): TOPMed 0.00002; gnomAD exomes 0.00003; gnomAD 0.00004; ExAC 0.00005.
gnomAD v4.1: 47 of 1,613,994 alleles (0.0029%); highest among the groups gnomAD compares: South Asian, 0.021%; 1 homozygote.

Submissions (2):

GeneDx
Classification: Uncertain significance. Last evaluated: 2023-10-26. Review status: criteria provided, single submitter. Criteria: GeneDx Variant Classification Process June 2021. Collection method: clinical testing. Allele origin: germline. Affected: yes.
Comment: In silico analysis supports that this missense variant does not alter protein structure/function; Has not been previously published as pathogenic or benign to our knowledge

Labcorp Genetics (formerly Invitae), Labcorp
Classification: Uncertain significance. Last evaluated: 2022-10-31. Review status: criteria provided, single submitter. Criteria: Invitae Variant Classification Sherloc (09022015). Collection method: clinical testing. Allele origin: germline.
Comment: This sequence change replaces valine, which is neutral and non-polar, with isoleucine, which is neutral and non-polar, at codon 63 of the BSND protein (p.Val63Ile). The frequency data for this variant in the population databases is considered unreliable, as metrics indicate poor data quality at this position in the gnomAD database. This variant has not been reported in the literature in individuals affected with BSND-related conditions. Advanced modeling of protein sequence and biophysical properties (such as structural, functional, and spatial information, amino acid conservation, physicochemical variation, residue mobility, and thermodynamic stability) performed at Invitae indicates that this missense variant is not expected to disrupt BSND protein function. In summary, the available evidence is currently insufficient to determine the role of this variant in disease. Therefore, it has been classified as a Variant of Uncertain Significance.

NM_057176.3(BSND):c.187G>A (p.Val63Ile)

Gene: BSND (barttin CLCNK type accessory subunit beta; plus strand). Cytogenetic location: 1p32.3.
Variant type: single nucleotide variant.
Coding change: c.187G>A on transcript NM_057176.3 (MANE Select); coding-DNA position 187, G replaced by A.
Protein change: p.Val63Ile; replaces valine 63 with isoleucine.
Molecular consequence: missense variant.
Genome position (GRCh38, 1-based): chr1:55,005,031, G>A. VCF-style: chr1-55005031-G-A. GRCh37 (hg19) VCF-style: chr1-55470704-G-A.
Other names: c.187G>A (NM_057176.2); short protein forms V63I.
Identifiers: ClinVar variation 2187027 (VCV002187027.2), dbSNP rs761711473, ClinGen allele CA871256.
Genomic context (GRCh38, chr1:55,005,031, plus strand): 5'-GCCCCCCTACCCTGGTCAACTGCACAGAGGCTGTCTCTCCTTTGCTTGCAGATCACCTTC[G>A]TCCCTGCTGACTCTGACTTTCAAGGCATCCTCTCCCCAAAGGCCATGGGCCTGCTGGAGA-3'
Protein context (NP_476517.1, residues 53-73): MCQCYPKITF[Val63Ile]PADSDFQGIL